The following is an entry in ClinVar:

NM_198075.4(LRRC56):c.728dup (p.Arg244fs)

Gene: LRRC56 (leucine rich repeat containing 56; plus strand). Cytogenetic location: 11p15.5.
Variant type: Duplication.
Coding change: c.728dup on transcript NM_198075.4 (MANE Select); coding-DNA position 728, one base duplicated (C; older notation c.728dupC).
Protein change: p.Arg244fs; shifts the reading frame from arginine 244.
Molecular consequence: frameshift variant.
Genome position (GRCh38, 1-based): chr11:551,234, C duplicated; the last of 7 consecutive C bases (chr11:551,228-551,234); duplicating any one gives the same sequence. VCF-style (leftmost placement, unchanged base first): chr11-551227-G-GC. GRCh37 (hg19) VCF-style: chr11-551227-G-GC.
Other names: c.728dup, p.Arg244fs (NM_001441283.1, NM_001441284.1, NM_001441285.1 and 1 more transcripts); short protein forms R244fs.
Identifiers: ClinVar variation 4698827 (VCV004698827.1).

ClinVar aggregate classification (germline): Pathogenic (1 of 4 stars; one submission).

Submission:

Labcorp Genetics (formerly Invitae), Labcorp
Classification: Pathogenic. Last evaluated: 2025-08-29. Review status: criteria provided, single submitter. Criteria: Invitae Variant Classification Sherloc (09022015). Collection method: clinical testing. Allele origin: germline.
Comment: This sequence change creates a premature translational stop signal (p.Arg244Alafs*34) in the LRRC56 gene. It is expected to result in an absent or disrupted protein product. Loss-of-function variants in LRRC56 are known to be pathogenic (PMID: 30388400). The frequency data for this variant in the population databases is considered unreliable, as metrics indicate poor data quality at this position in the gnomAD database. This variant has not been reported in the literature in individuals affected with LRRC56-related conditions. For these reasons, this variant has been classified as Pathogenic.

Literature cited by the submitters: PubMed 30388400.